The following is an entry in ClinVar:

ClinVar aggregate classification (germline): Likely benign (0 of 4 stars; one submission).

Conditions:
CACNA1I-related disorder. Also called: CACNA1I-related condition.

Allele frequency attached by ClinVar (database versions not stated): gnomAD exomes 0.00008; ExAC 0.00019; ESP Exome Variant Server 0.00033; gnomAD 0.00051; TOPMed 0.00056; 1000 Genomes Project 30x 0.00094; 1000 Genomes Project 0.00120.
gnomAD v4.1: 194 of 1,613,568 alleles (0.012%); highest among the groups gnomAD compares: African/African-American, 0.16%; no homozygotes.

Submission:

PreventionGenetics, part of Exact Sciences
Classification: Likely benign for CACNA1I-related condition. Last evaluated: 2019-05-21. Review status: no assertion criteria provided. Collection method: clinical testing. Allele origin: germline.
Comment: This variant is classified as likely benign based on ACMG/AMP sequence variant interpretation guidelines (Richards et al. 2015 PMID: 25741868, with internal and published modifications).

NM_021096.4(CACNA1I):c.1510C>T (p.Arg504Trp)

Gene: CACNA1I (calcium voltage-gated channel subunit alpha1 I; plus strand). Cytogenetic location: 22q13.1.
Variant type: single nucleotide variant.
Coding change: c.1510C>T on transcript NM_021096.4 (MANE Select); coding-DNA position 1510, C replaced by T.
Protein change: p.Arg504Trp; replaces arginine 504 with tryptophan.
Molecular consequence: missense variant. On other transcripts: intron variant (1).
Genome position (GRCh38, 1-based): chr22:39,647,869, C>T. VCF-style: chr22-39647869-C-T. GRCh37 (hg19) VCF-style: chr22-40043874-C-T.
Other names: c.1462+988C>T (NM_001003406.2); short protein forms R504W.
Identifiers: ClinVar variation 3039658 (VCV003039658.2), dbSNP rs139376782, ClinGen allele CA10243859.